The following is an entry in ClinVar:

NM_000179.3(MSH6):c.334A>C (p.Asn112His)

Gene: MSH6 (mutS homolog 6; plus strand). Cytogenetic location: 2p16.3.
Variant type: single nucleotide variant.
Coding change: c.334A>C on transcript NM_000179.3 (MANE Select); coding-DNA position 334, A replaced by C.
Protein change: p.Asn112His; replaces asparagine 112 with histidine.
Molecular consequence: missense variant. On other transcripts: 5 prime UTR variant (2), intron variant (1).
Genome position (GRCh38, 1-based): chr2:47,791,000, A>C. VCF-style: chr2-47791000-A-C. GRCh37 (hg19) VCF-style: chr2-48018139-A-C.
Other names: c.-403A>C (NM_001281493.2, NM_001406811.1, NM_001406823.1 and 1 more transcripts); c.-569A>C (NM_001281494.2); c.430A>C, p.Asn144His (NM_001406795.1, NM_001406802.1); c.334A>C, p.Asn112His (NM_001406796.1, NM_001406798.1, NM_001406800.1 and 6 more transcripts); c.37A>C, p.Asn13His (NM_001406797.1, NM_001406801.1, NM_001406805.1 and 10 more transcripts); c.256A>C, p.Asn86His (NM_001406804.1); c.-595A>C (NM_001406807.1); c.-661A>C (NM_001406814.1); and 2 more; short protein forms N112H, N144H, N86H, N56H, N13H.
Identifiers: ClinVar variation 1730491 (VCV001730491.2), dbSNP rs864622397, ClinGen allele CA346736954.
Genomic context (GRCh38, chr2:47,791,000, plus strand): 5'-CCAGGAGATTTGGTTTGGGCCAAGATGGAGGGTTACCCCTGGTGGCCTTGTCTGGTTTAC[A>C]ACCACCCCTTTGATGGAACATTCATCCGCGAGAAAGGGAAATCAGTCCGTGTTCATGTAC-3'
Protein context (NP_000170.1, residues 102-122): GYPWWPCLVY[Asn112His]HPFDGTFIRE

ClinVar aggregate classification (germline): Uncertain significance (1 of 4 stars; one submission).

Conditions:
Hereditary cancer-predisposing syndrome. Also called: Neoplastic Syndromes, Hereditary; Tumor predisposition; Hereditary Cancer Syndrome; Hereditary neoplastic syndrome. Identifiers: Orphanet 140162, MedGen C0027672, MeSH D009386, MONDO:0015356.

Submission:

Ambry Genetics
Classification: Uncertain significance for Hereditary cancer-predisposing syndrome. Last evaluated: 2020-08-11. Review status: criteria provided, single submitter. Criteria: Ambry Variant Classification Scheme 2023. Collection method: clinical testing. Allele origin: germline.
Comment: The p.N112H variant (also known as c.334A>C), located in coding exon 2 of the MSH6 gene, results from an A to C substitution at nucleotide position 334. The asparagine at codon 112 is replaced by histidine, an amino acid with similar properties. This amino acid position is not well conserved in available vertebrate species. In addition, this alteration is predicted to be tolerated by in silico analysis. Since supporting evidence is limited at this time, the clinical significance of this alteration remains unclear.